The following is an entry in ClinVar:

ClinVar aggregate classification (germline): Uncertain significance. Review status: criteria provided, multiple submitters, no conflicts (2 of 4 stars). 2 submissions from 2 submitters: Uncertain significance (2). Last evaluated 2024-04-04.

Conditions:
TBC1D8B-related disorder. Also called: TBC1D8B-related condition.

Allele frequency attached by ClinVar (database versions not stated): TOPMed 0.00003; gnomAD 0.00004; ExAC 0.00005; 1000 Genomes Project 0.00026; 1000 Genomes Project 30x 0.00042.

Submissions (2):

Ambry Genetics
Classification: Uncertain significance. Last evaluated: 2024-04-04. Review status: criteria provided, single submitter. Criteria: Ambry Variant Classification Scheme 2023. Collection method: clinical testing. Allele origin: germline.

PreventionGenetics, part of Exact Sciences
Classification: Uncertain significance for TBC1D8B-related condition. Last evaluated: 2022-12-20. Review status: criteria provided, single submitter. Criteria: ACMG Guidelines, 2015. Collection method: clinical testing. Allele origin: germline.
Comment: The TBC1D8B c.2800A>C variant is predicted to result in the amino acid substitution p.Ser934Arg. To our knowledge, this variant has not been reported in the literature. This variant is reported in 0.032% of alleles in individuals of East Asian descent in gnomAD. Although we suspect that this variant may be benign, at this time, the clinical significance of this variant is uncertain due to the absence of conclusive functional and genetic evidence.

NM_017752.3(TBC1D8B):c.2800A>C (p.Ser934Arg)

Gene: TBC1D8B (TBC1 domain family member 8B; plus strand). Cytogenetic location: Xq22.3.
Variant type: single nucleotide variant.
Coding change: c.2800A>C on transcript NM_017752.3 (MANE Select); coding-DNA position 2800, A replaced by C.
Protein change: p.Ser934Arg; replaces serine 934 with arginine.
Molecular consequence: missense variant.
Genome position (GRCh38, 1-based): chrX:106,868,464, A>C. VCF-style: chrX-106868464-A-C. GRCh37 (hg19) VCF-style: chrX-106111694-A-C.
Other names: short protein forms S934R.
Identifiers: ClinVar variation 2629015 (VCV002629015.2), dbSNP rs201344589, ClinGen allele CA10483427.